The following is an entry in ClinVar:

ClinVar aggregate classification (germline): Benign/Likely benign. Review status: criteria provided, multiple submitters, no conflicts (2 of 4 stars). 3 submissions from 3 submitters: Benign (1); Likely benign (2). Last evaluated 2026-05-27.

Conditions:
Hereditary hemorrhagic telangiectasia (HHT). Also called: ORW DISEASE; Osler Weber Rendu syndrome; OSLER-RENDU-WEBER DISEASE; Osler hemorrhagic telangiectasia syndrome. Identifiers: Orphanet 774, MedGen C0039445, MONDO:0019180. Disease mechanism: loss of function.
ENG-related disorder. Also called: ENG-related condition; ENG-related disorders.
Cardiovascular phenotype. Identifiers: MedGen CN230736.

Allele frequency attached by ClinVar (database versions not stated): ExAC 0.00001; gnomAD 0.00003.
gnomAD v4.1: 11 of 1,608,366 alleles (0.00068%); highest among the groups gnomAD compares: African/African-American, 0.012%; no homozygotes.

Submissions (3):

PreventionGenetics, part of Exact Sciences
Classification: Likely benign for ENG-related condition. Last evaluated: 2026-05-27. Review status: criteria provided, single submitter. Criteria: ACMG Guidelines, 2015. Collection method: clinical testing. Allele origin: germline.
Comment: This variant is classified as likely benign based on ACMG/AMP sequence variant interpretation guidelines (Richards et al. 2015 PMID: 25741868, with internal and published modifications).

Labcorp Genetics (formerly Invitae), Labcorp
Classification: Benign for Hereditary hemorrhagic telangiectasia. Last evaluated: 2024-05-12. Review status: criteria provided, single submitter. Criteria: Invitae Variant Classification Sherloc (09022015). Collection method: clinical testing. Allele origin: germline.

Ambry Genetics
Classification: Likely benign for Cardiovascular phenotype. Last evaluated: 2023-02-16. Review status: criteria provided, single submitter. Criteria: Ambry Variant Classification Scheme 2023. Collection method: clinical testing. Allele origin: germline.

NM_001114753.3(ENG):c.933G>T (p.Val311=)

Gene: ENG (endoglin; minus strand). Cytogenetic location: 9q34.11.
Variant type: single nucleotide variant.
Coding change: c.933G>T on transcript NM_001114753.3 (MANE Select); coding-DNA position 933, G replaced by T.
Protein change: p.Val311=; no amino-acid change (valine 311 retained).
Molecular consequence: synonymous variant.
Genome position (GRCh38, 1-based): chr9:127,824,858, C>A on the plus strand (G>T on the coding strand, the complement: ENG is on the minus strand). VCF-style: chr9-127824858-C-A. GRCh37 (hg19) VCF-style: chr9-130587137-C-A.
Other names: c.933G>T, p.Val311= (NM_000118.4, NM_001406715.1); c.387G>T, p.Val129= (NM_001278138.2).
Identifiers: ClinVar variation 2191896 (VCV002191896.7), dbSNP rs755739283, ClinGen allele CA5252937.